The following is an entry in ClinVar:

Conditions:
Breast-ovarian cancer, familial, susceptibility to, 1 (BROVCA1). Also called: BRCA1 Hereditary Breast and Ovarian Cancer; OVARIAN CANCER, SUSCEPTIBILITY TO. Identifiers: Orphanet 145, MedGen C2676676, MONDO:0011450, OMIM 604370. Disease mechanism: loss of function.

Submission:

Brotman Baty Institute, University of Washington
No classification provided (evidence only). Condition: Breast-ovarian cancer, familial 1. Review status: no classification provided. Collection method: in vitro. Allele origin: not applicable. Functional consequence: functionally_normal.
ClinVar note: "not provided" was previously submitted as the classification for the variant. However, the classification appeared to be based only on an observation of functional data so it was converted to no classification on 2025-07-30.

NM_007294.4(BRCA1):c.138T>A (p.Phe46Leu)

Gene: BRCA1 (BRCA1 DNA repair associated; minus strand). Cytogenetic location: 17q21.31.
Variant type: single nucleotide variant.
Coding change: c.138T>A on transcript NM_007294.4 (MANE Select); coding-DNA position 138, T replaced by A.
Protein change: p.Phe46Leu; replaces phenylalanine 46 with leucine.
Molecular consequence: missense variant. On other transcripts: 5 prime UTR variant (1), non-coding transcript variant (1).
Genome position (GRCh38, 1-based): chr17:43,106,530, A>T on the plus strand (T>A on the coding strand, the complement: BRCA1 is on the minus strand). VCF-style: chr17-43106530-A-T. GRCh37 (hg19) VCF-style: chr17-41258547-A-T.
Other names: c.-4T>A (NM_001408504.1, NM_001408505.1, NM_001408511.1 and 99 more transcripts); c.-51T>A (NM_001408506.1, NM_001408507.1, NM_001408508.1 and 58 more transcripts); c.138T>A, p.Phe46Leu (NM_007298.4, NM_007299.4, NM_007300.4 and 168 more transcripts); short protein forms F46L.
Identifiers: ClinVar variation 868214 (VCV000868214.3), dbSNP rs2054795825, ClinGen allele CA10601878.